The following is an entry in ClinVar:

ClinVar aggregate classification (germline): Uncertain significance. Review status: criteria provided, multiple submitters, no conflicts (2 of 4 stars). 2 submissions from 2 submitters: Uncertain significance (2). Last evaluated 2026-05-23.

gnomAD v4.1: 2 of 1,561,336 alleles (0.00013%); highest among the groups gnomAD compares: Non-Finnish European, 0.000087%; no homozygotes.

Submissions (2):

Ambry Genetics
Classification: Uncertain significance. Last evaluated: 2026-05-23. Review status: criteria provided, single submitter. Criteria: Ambry Variant Classification Scheme 2023. Collection method: clinical testing. Allele origin: germline.

GeneDx
Classification: Uncertain significance. Last evaluated: 2022-03-17. Review status: criteria provided, single submitter. Criteria: GeneDx Variant Classification Process June 2021. Collection method: clinical testing. Allele origin: germline. Affected: yes.
Comment: Not observed at significant frequency in large population cohorts (gnomAD); In silico analysis supports that this missense variant does not alter protein structure/function; Has not been previously published as pathogenic or benign to our knowledge

NM_007186.6(CEP250):c.3389C>A (p.Ala1130Glu)

Gene: CEP250 (centrosomal protein 250; plus strand). Cytogenetic location: 20q11.22.
Variant type: single nucleotide variant.
Coding change: c.3389C>A on transcript NM_007186.6 (MANE Select); coding-DNA position 3389, C replaced by A.
Protein change: p.Ala1130Glu; replaces alanine 1130 with glutamic acid.
Molecular consequence: missense variant.
Genome position (GRCh38, 1-based): chr20:35,497,801, C>A. VCF-style: chr20-35497801-C-A. GRCh37 (hg19) VCF-style: chr20-34085630-C-A.
Other names: c.1493C>A, p.Ala498Glu (NM_001318219.1); c.3389C>A (NM_007186.3); short protein forms A1130E, A498E.
Identifiers: ClinVar variation 1706336 (VCV001706336.3), dbSNP rs376566049, ClinGen allele CA408743964.
Genomic context (GRCh38, chr20:35,497,801, plus strand): 5'-TGAAGGAAAAGGAGGCTGACTTTCTGGCCCAGGAAGCACAGCTGCTGGAGGAGCTGGAGG[C>A]GTCTCATATCACGGAGCAGCAGCTGCGAGCCTCCTTGTGGGCCCAGGAAGCCAAGGCAGC-3'
Protein context (NP_009117.2, residues 1120-1140): QEAQLLEELE[Ala1130Glu]SHITEQQLRA